The following is an entry in ClinVar:

ClinVar aggregate classification (germline): Uncertain significance (1 of 4 stars; one submission).

gnomAD v4.1: 2 of 1,613,920 alleles (0.00012%); highest among the groups gnomAD compares: Admixed American, 0.0017%; no homozygotes.

Submission:

GeneDx
Classification: Uncertain significance. Last evaluated: 2024-03-26. Review status: criteria provided, single submitter. Criteria: GeneDx Variant Classification Process June 2021. Collection method: clinical testing. Allele origin: germline. Affected: yes.
Comment: Not observed at significant frequency in large population cohorts (gnomAD); In silico analysis supports that this missense variant has a deleterious effect on protein structure/function; Has not been previously published as pathogenic or benign to our knowledge

NM_000112.4(SLC26A2):c.1816C>T (p.Pro606Ser)

Gene: SLC26A2 (solute carrier family 26 member 2; plus strand). Cytogenetic location: 5q32.
Variant type: single nucleotide variant.
Coding change: c.1816C>T on transcript NM_000112.4 (MANE Select); coding-DNA position 1816, C replaced by T.
Protein change: p.Pro606Ser; replaces proline 606 with serine.
Molecular consequence: missense variant.
Genome position (GRCh38, 1-based): chr5:149,981,409, C>T. VCF-style: chr5-149981409-C-T. GRCh37 (hg19) VCF-style: chr5-149360972-C-T.
Other names: short protein forms P606S.
Identifiers: ClinVar variation 3371650 (VCV003371650.1).